The following is an entry in ClinVar:

NM_007272.3(CTRC):c.308G>A (p.Gly103Asp)

Gene: CTRC (chymotrypsin C; plus strand). Cytogenetic location: 1p36.21.
Variant type: single nucleotide variant.
Coding change: c.308G>A on transcript NM_007272.3 (MANE Select); coding-DNA position 308, G replaced by A.
Protein change: p.Gly103Asp; replaces glycine 103 with aspartic acid.
Molecular consequence: missense variant.
Genome position (GRCh38, 1-based): chr1:15,442,524, G>A. VCF-style: chr1-15442524-G-A. GRCh37 (hg19) VCF-style: chr1-15769020-G-A.
Other names: short protein forms G103D.
Identifiers: ClinVar variation 4235803 (VCV004235803.1).

ClinVar aggregate classification (germline): Uncertain significance (1 of 4 stars; one submission).

Conditions:
Hereditary pancreatitis (PCTT). Also called: Hereditary chronic pancreatitis; PRSS1-Related Hereditary Pancreatitis. Identifiers: Orphanet 676, MedGen C0238339, MONDO:0008185, OMIM 167800.

gnomAD v4.1: 2 of 1,614,104 alleles (0.00012%); highest among the groups gnomAD compares: Middle Eastern, 0.016%; no homozygotes.

Submission:

Ambry Genetics
Classification: Uncertain significance for Hereditary pancreatitis. Last evaluated: 2025-08-09. Review status: criteria provided, single submitter. Criteria: Ambry Variant Classification Scheme 2023. Collection method: clinical testing. Allele origin: germline.
Comment: The p.G103D variant (also known as c.308G>A), located in coding exon 4 of the CTRC gene, results from a G to A substitution at nucleotide position 308. The glycine at codon 103 is replaced by aspartic acid, an amino acid with similar properties. This amino acid position is conserved. In addition, this alteration is predicted to be tolerated by in silico analysis. Based on the available evidence, the clinical significance of this variant remains unclear.